The following is an entry in ClinVar:

ClinVar aggregate classification (germline): Uncertain significance (1 of 4 stars; one submission).

Conditions:
Shprintzen-Goldberg syndrome (SGS). Also called: Marfanoid disorder with craniosynostosis type 1; Marfanoid craniosynostosis syndrome; Shprintzen-Goldberg marfanoid syndrome; SHPRINTZEN-GOLDBERG CRANIOSYNOSTOSIS SYNDROME; CRANIOSYNOSTOSIS WITH ARACHNODACTYLY AND ABDOMINAL HERNIAS. Identifiers: Orphanet 2462, MedGen C1321551, MONDO:0008426, OMIM 182212.

Allele frequency attached by ClinVar (database versions not stated): gnomAD exomes below 0.00001; TOPMed 0.00001.
gnomAD v4.1: 1 of 1,448,144 alleles (0.000069%); highest among the groups gnomAD compares: South Asian, 0.0013%; no homozygotes.

Submission:

Labcorp Genetics (formerly Invitae), Labcorp
Classification: Uncertain significance for Shprintzen-Goldberg syndrome. Last evaluated: 2022-12-22. Review status: criteria provided, single submitter. Criteria: Invitae Variant Classification Sherloc (09022015). Collection method: clinical testing. Allele origin: germline.
Comment: In summary, the available evidence is currently insufficient to determine the role of this variant in disease. Therefore, it has been classified as a Variant of Uncertain Significance. Algorithms developed to predict the effect of missense changes on protein structure and function (SIFT, PolyPhen-2, Align-GVGD) all suggest that this variant is likely to be tolerated. This variant has not been reported in the literature in individuals affected with SKI-related conditions. This variant is present in population databases (no rsID available, gnomAD 0.006%). This sequence change replaces glutamic acid, which is acidic and polar, with glycine, which is neutral and non-polar, at codon 69 of the SKI protein (p.Glu69Gly).

NM_003036.4(SKI):c.206A>G (p.Glu69Gly)

Gene: SKI (SKI proto-oncogene; plus strand). Cytogenetic location: 1p36.33.
Variant type: single nucleotide variant.
Coding change: c.206A>G on transcript NM_003036.4 (MANE Select); coding-DNA position 206, A replaced by G.
Protein change: p.Glu69Gly; replaces glutamic acid 69 with glycine.
Molecular consequence: missense variant.
Genome position (GRCh38, 1-based): chr1:2,228,972, A>G. VCF-style: chr1-2228972-A-G. GRCh37 (hg19) VCF-style: chr1-2160411-A-G.
Other names: short protein forms E69G.
Identifiers: ClinVar variation 2822395 (VCV002822395.3), dbSNP rs1248598463, ClinGen allele CA337952312.